The following is an entry in ClinVar:

ClinVar aggregate classification (germline): Pathogenic/Likely pathogenic. Review status: criteria provided, multiple submitters, no conflicts (2 of 4 stars). 2 submissions from 2 submitters: Pathogenic (1); Likely pathogenic (1). Last evaluated 2025-09-16.

Conditions:
Ehlers-Danlos syndrome, kyphoscoliotic type 1 (EDSKSCL1). Also called: PLOD1-Related Kyphoscoliotic Ehlers-Danlos Syndrome; EHLERS-DANLOS SYNDROME, OCULAR-SCOLIOTIC TYPE; Ehlers-Danlos syndrome, hydroxylysine-deficient; EHLERS-DANLOS SYNDROME, TYPE VIA. Identifiers: Orphanet 1900, MedGen C0268342, MONDO:0016002, OMIM 225400. Disease mechanism: loss of function.

Allele frequency attached by ClinVar (database versions not stated): gnomAD exomes 0.00001; TOPMed 0.00001.

Submissions (2):

Mayo Clinic Laboratories, Mayo Clinic
Classification: Likely pathogenic. Last evaluated: 2025-09-16. Review status: criteria provided, single submitter. Criteria: ACMG Guidelines, 2015. Collection method: clinical testing. Allele origin: germline. Observed: 1 variant allele.
Comment: PM2_supporting, PVS1

Labcorp Genetics (formerly Invitae), Labcorp
Classification: Pathogenic for Ehlers-Danlos syndrome, kyphoscoliotic type 1. Last evaluated: 2023-10-05. Review status: criteria provided, single submitter. Criteria: Invitae Variant Classification Sherloc (09022015). Collection method: clinical testing. Allele origin: germline.
Comment: This sequence change creates a premature translational stop signal (p.Gln123*) in the PLOD1 gene. It is expected to result in an absent or disrupted protein product. Loss-of-function variants in PLOD1 are known to be pathogenic (PMID: 10874315, 21699693). This variant is not present in population databases (gnomAD no frequency). This variant has not been reported in the literature in individuals affected with PLOD1-related conditions. ClinVar contains an entry for this variant (Variation ID: 1070287). For these reasons, this variant has been classified as Pathogenic.

Literature cited by the submitters: PubMed 10874315 (cited by Labcorp Genetics (formerly Invitae), Labcorp); PubMed 21699693 (cited by Labcorp Genetics (formerly Invitae), Labcorp).

NM_000302.4(PLOD1):c.367C>T (p.Gln123Ter)

Gene: PLOD1 (procollagen-lysine,2-oxoglutarate 5-dioxygenase 1; plus strand). Cytogenetic location: 1p36.22.
Variant type: single nucleotide variant.
Coding change: c.367C>T on transcript NM_000302.4 (MANE Select); coding-DNA position 367, C replaced by T.
Protein change: p.Gln123Ter; replaces glutamine 123 with a stop codon.
Molecular consequence: nonsense.
Genome position (GRCh38, 1-based): chr1:11,950,421, C>T. VCF-style: chr1-11950421-C-T. GRCh37 (hg19) VCF-style: chr1-12010478-C-T.
Other names: p.Gln123*; c.508C>T, p.Gln170Ter (NM_001316320.2); short protein forms Q123*, Q170*.
Identifiers: ClinVar variation 1070287 (VCV001070287.8), dbSNP rs1645691337, ClinGen allele CA338427078.